The following is an entry in ClinVar:

ClinVar aggregate classification (germline): Uncertain significance. Review status: criteria provided, multiple submitters, no conflicts (2 of 4 stars). 2 submissions from 2 submitters: Uncertain significance (2). Last evaluated 2025-05-05.

gnomAD v4.1: 58 of 1,554,500 alleles (0.0037%); highest among the groups gnomAD compares: Admixed American, 0.064%; 1 homozygote.

Submissions (2):

Women's Health and Genetics/Laboratory Corporation of America, LabCorp
Classification: Uncertain significance. Last evaluated: 2025-05-05. Review status: criteria provided, single submitter. Criteria: LabCorp Variant Classification Summary - May 2015. Collection method: clinical testing. Allele origin: germline.
Comment: Variant summary: PKD1 c.11548G>T (p.Val3850Leu) results in a conservative amino acid change in the encoded protein sequence. Algorithms developed to predict the effect of missense changes on protein structure and function are either unavailable or do not agree on the potential impact of this missense change. The variant allele was found at a frequency of 3e-05 in 166144 control chromosomes. The available data on variant occurrences in the general population are insufficient to allow any conclusion about variant significance. To our knowledge, no occurrence of c.11548G>T in individuals affected with PKD1-Biallelic Autosomal Recessive Polycystic Kidney Disease and no experimental evidence demonstrating its impact on protein function have been reported. ClinVar contains an entry for this variant (Variation ID: 3340840). Based on the evidence outlined above, the variant was classified as uncertain significance.

GeneDx
Classification: Uncertain significance. Last evaluated: 2023-10-09. Review status: criteria provided, single submitter. Criteria: GeneDx Variant Classification Process June 2021. Collection method: clinical testing. Allele origin: germline. Affected: yes.
Comment: In silico analysis supports that this missense variant does not alter protein structure/function; Has not been previously published as pathogenic or benign to our knowledge

NM_001009944.3(PKD1):c.11548G>T (p.Val3850Leu)

Genes: PKD1 (polycystin 1, transient receptor potential channel interacting; minus strand), PKD1-AS1 (PKD1 antisense RNA 1; plus strand). Cytogenetic location: 16p13.3.
Variant type: single nucleotide variant.
Coding change: c.11548G>T on transcript NM_001009944.3 (MANE Select); coding-DNA position 11548, G replaced by T.
Protein change: p.Val3850Leu; replaces valine 3850 with leucine.
Molecular consequence: missense variant. On other transcripts: non-coding transcript variant (1).
Genome position (GRCh38, 1-based): chr16:2,091,587, C>A on the plus strand (G>T on the coding strand, the complement: PKD1 is on the minus strand). VCF-style: chr16-2091587-C-A. GRCh37 (hg19) VCF-style: chr16-2141588-C-A.
Other names: c.11545G>T, p.Val3849Leu (NM_000296.4); short protein forms V3849L, V3850L.
Identifiers: ClinVar variation 3340840 (VCV003340840.2).